The following is an entry in ClinVar:

NM_001386298.1(CIC):c.1782C>T (p.Phe594=)

Gene: CIC (capicua transcriptional repressor; plus strand). Cytogenetic location: 19q13.2.
Variant type: single nucleotide variant.
Coding change: c.1782C>T on transcript NM_001386298.1 (MANE Select); coding-DNA position 1782, C replaced by T.
Protein change: p.Phe594=; no amino-acid change (phenylalanine 594 retained).
Molecular consequence: synonymous variant. On other transcripts: genic upstream transcript variant (1).
Genome position (GRCh38, 1-based): chr19:42,273,565, C>T. VCF-style: chr19-42273565-C-T. GRCh37 (hg19) VCF-style: chr19-42777717-C-T.
Other names: c.1782C>T, p.Phe594= (NM_001304815.2, NM_001379480.1, NM_001379482.1 and 6 more transcripts); c.-11140C>T (NM_015125.5).
Identifiers: ClinVar variation 4852972 (VCV004852972.3).

ClinVar aggregate classification (germline): Conflicting classifications of pathogenicity. Review status: criteria provided, conflicting classifications (1 of 4 stars). 2 submissions from 2 submitters: Uncertain significance (1); Likely benign (1). Last evaluated 2026-05-19.

gnomAD v4.1: 8 of 398,552 alleles (0.002%); highest among the groups gnomAD compares: East Asian, 0.0036%; no homozygotes.

Submissions (2):

Women's Health and Genetics/Laboratory Corporation of America, LabCorp
Classification: Uncertain significance. Last evaluated: 2026-05-19. Review status: criteria provided, single submitter. Criteria: LabCorp Variant Classification Summary - May 2015. Collection method: clinical testing. Allele origin: germline.
Comment: Variant summary: CIC NM_015125.5 c.-11140C>T is located in the untranscribed region upstream of the CIC gene region. This variant is also annotated as CIC NM_001304815.2 c.1782C>T (p.Phe594Phe) where it results in a synonymous change. Consensus agreement among computation tools predict no significant impact on normal splicing. However, these predictions have yet to be confirmed by functional studies. The variant allele was found at a frequency of 3.2e-05 in 31298 control chromosomes. The available data on variant occurrences in the general population are insufficient to allow any conclusion about variant significance. To our knowledge, no occurrence of this variant in individuals affected with CIC-related conditions and no experimental evidence demonstrating its impact on protein function have been reported. No submitters have cited clinical-significance assessments for this variant to ClinVar. Based on the evidence outlined above, the variant was classified as uncertain significance.

CeGaT Center for Human Genetics Tuebingen
Classification: Likely benign. Last evaluated: 2026-04-01. Review status: criteria provided, single submitter. Criteria: CeGaT Center For Human Genetics Tuebingen Variant Classification Criteria Version 2. Collection method: clinical testing. Allele origin: germline. Affected: yes. Observed: 2 variant alleles.
Comment: CIC: BP4, BP7